The following is an entry in ClinVar:

ClinVar aggregate classification (germline): Uncertain significance (1 of 4 stars; one submission).

Conditions:
Cornelia de Lange syndrome 1 (CDLS1). Also called: Brachmann de Lange syndrome; NIPBL-Related Cornelia de Lange Syndrome; TYPUS DEGENERATIVUS AMSTELODAMENSIS. Identifiers: Orphanet 199, MedGen C4551851, MONDO:0007387, OMIM 122470.

Submission:

Labcorp Genetics (formerly Invitae), Labcorp
Classification: Uncertain significance for Cornelia de Lange syndrome 1. Last evaluated: 2024-09-29. Review status: criteria provided, single submitter. Criteria: Invitae Variant Classification Sherloc (09022015). Collection method: clinical testing. Allele origin: germline.
Comment: This sequence change replaces histidine, which is basic and polar, with arginine, which is basic and polar, at codon 2060 of the NIPBL protein (p.His2060Arg). This variant is not present in population databases (gnomAD no frequency). This variant has not been reported in the literature in individuals affected with NIPBL-related conditions. Invitae Evidence Modeling of protein sequence and biophysical properties (such as structural, functional, and spatial information, amino acid conservation, physicochemical variation, residue mobility, and thermodynamic stability) has been performed for this missense variant. However, the output from this modeling did not meet the statistical confidence thresholds required to predict the impact of this variant on NIPBL protein function. In summary, the available evidence is currently insufficient to determine the role of this variant in disease. Therefore, it has been classified as a Variant of Uncertain Significance.

NM_133433.4(NIPBL):c.6179A>G (p.His2060Arg)

Gene: NIPBL (NIPBL cohesin loading factor; plus strand). Cytogenetic location: 5p13.2.
Variant type: single nucleotide variant.
Coding change: c.6179A>G on transcript NM_133433.4 (MANE Select); coding-DNA position 6179, A replaced by G.
Protein change: p.His2060Arg; replaces histidine 2060 with arginine.
Molecular consequence: missense variant.
Genome position (GRCh38, 1-based): chr5:37,044,417, A>G. VCF-style: chr5-37044417-A-G. GRCh37 (hg19) VCF-style: chr5-37044519-A-G.
Other names: c.6179A>G, p.His2060Arg (NM_015384.5); short protein forms H2060R.
Identifiers: ClinVar variation 3635353 (VCV003635353.2).
Genomic context (GRCh38, chr5:37,044,417, plus strand): 5'-ATTTCATGGTTATCTGCAATGTTGCAAAAATCCTAGAGCTAGTTGTACCACTGATGGAGC[A>G]TCCAAGTGAAACTTTTCTTGCCACTATTGAGGAAGATCTAATGAAGCTCATCATCAAATA-3'
Protein context (NP_597677.2, residues 2050-2070): ILELVVPLME[His2060Arg]PSETFLATIE